The following is an entry in ClinVar:

NM_001257096.2(PAX1):c.1282+8_1282+10dup

Gene: PAX1 (paired box 1; plus strand). Cytogenetic location: 20p11.22.
Variant type: Duplication.
Coding change: c.1282+8_1282+10dup on transcript NM_001257096.2 (MANE Select); bases 8 to 10 of the intron after coding-DNA position 1282, 3 bases duplicated (GCG; older notation c.1282+8_1282+10dupGCG).
Molecular consequence: intron variant.
Genome position (GRCh38, 1-based): chr20:21,709,452-21,709,454, GCG duplicated. VCF-style (leftmost placement, unchanged base first): chr20-21709451-A-AGCG. GRCh37 (hg19) VCF-style: chr20-21690089-A-AGCG.
Other names: c.1282+8_1282+10dup (NM_006192.5).
Identifiers: ClinVar variation 729036 (VCV000729036.12), dbSNP rs561881801, ClinGen allele CA9786739.

ClinVar aggregate classification (germline): Benign/Likely benign. Review status: criteria provided, multiple submitters, no conflicts (2 of 4 stars). 3 submissions from 3 submitters: Benign (1); Likely benign (1). 1 of the submissions does not count toward it. Last evaluated 2025-12-20.

Conditions:
PAX1-related disorder. Also called: PAX1-related condition.

Allele frequency attached by ClinVar (database versions not stated): gnomAD exomes 0.00011 and 0.00042; 1000 Genomes Project 0.00060; ExAC 0.00067; 1000 Genomes Project 30x 0.00125; ESP Exome Variant Server 0.00138; gnomAD 0.00168 and 0.00186; TOPMed 0.00192.

Submissions (3):

Labcorp Genetics (formerly Invitae), Labcorp
Classification: Benign. Last evaluated: 2025-12-20. Review status: criteria provided, single submitter. Criteria: Invitae Variant Classification Sherloc (09022015). Collection method: clinical testing. Allele origin: germline.

Blueprint Genetics
Classification: Likely benign. Last evaluated: 2024-11-26. Review status: criteria provided, single submitter. Criteria: ACMG Guidelines, 2015. Collection method: clinical testing. Allele origin: germline.

PreventionGenetics, part of Exact Sciences
Classification: Likely benign for PAX1-related condition. Last evaluated: 2020-01-31. Review status: no assertion criteria provided. Collection method: clinical testing. Allele origin: germline. Not counted in ClinVar's aggregate classification.
Comment: This variant is classified as likely benign based on ACMG/AMP sequence variant interpretation guidelines (Richards et al. 2015 PMID: 25741868, with internal and published modifications).